The following is an entry in ClinVar:

ClinVar aggregate classification (germline): Uncertain significance (1 of 4 stars; one submission).

Conditions:
Optic atrophy 3 (OPA3). Also called: OPTIC ATROPHY 3, AUTOSOMAL DOMINANT; Optic atrophy, cataract, and neurologic disorder; Optic atrophy 3 with cataract. Identifiers: Orphanet 67036, MedGen C1833809, MONDO:0008133, OMIM 165300.
3-Methylglutaconic aciduria type 3 (MGCA3). Also called: OPA3, AUTOSOMAL RECESSIVE; OPTIC ATROPHY 3, AUTOSOMAL RECESSIVE; Costeff Syndrome; OPA3-Related 3-Methylglutaconic Aciduria. Identifiers: Orphanet 67047, MedGen C0574084, MONDO:0009787, OMIM 258501.

Allele frequency attached by ClinVar (database versions not stated): gnomAD 0.00001.
gnomAD v4.1: 1 of 1,605,056 alleles (0.000062%); highest among the groups gnomAD compares: African/African-American, 0.0013%; no homozygotes.

Submission:

Labcorp Genetics (formerly Invitae), Labcorp
Classification: Uncertain significance for 3-Methylglutaconic aciduria type 3; Optic atrophy 3. Last evaluated: 2022-06-13. Review status: criteria provided, single submitter. Criteria: Invitae Variant Classification Sherloc (09022015). Collection method: clinical testing. Allele origin: germline.
Comment: This sequence change replaces alanine, which is neutral and non-polar, with glycine, which is neutral and non-polar, at codon 135 of the OPA3 protein (p.Ala135Gly). This variant is not present in population databases (gnomAD no frequency). This variant has not been reported in the literature in individuals affected with OPA3-related conditions. Algorithms developed to predict the effect of missense changes on protein structure and function (SIFT, PolyPhen-2, Align-GVGD) all suggest that this variant is likely to be tolerated. In summary, the available evidence is currently insufficient to determine the role of this variant in disease. Therefore, it has been classified as a Variant of Uncertain Significance.

NM_025136.4(OPA3):c.404C>G (p.Ala135Gly)

Genes: OPA3 (outer mitochondrial membrane lipid metabolism regulator OPA3; minus strand), OPA3-RTN2 (OPA3-RTN2 readthrough; minus strand). Cytogenetic location: 19q13.32.
Variant type: single nucleotide variant.
Coding change: c.404C>G on transcript NM_025136.4 (MANE Select); coding-DNA position 404, C replaced by G.
Protein change: p.Ala135Gly; replaces alanine 135 with glycine.
Molecular consequence: missense variant. On other transcripts: intron variant (1).
Genome position (GRCh38, 1-based): chr19:45,553,650, G>C on the plus strand (C>G on the coding strand, the complement: OPA3 is on the minus strand). VCF-style: chr19-45553650-G-C. GRCh37 (hg19) VCF-style: chr19-46056908-G-C.
Other names: c.143-24194C>G (NM_001017989.3); short protein forms A135G.
Identifiers: ClinVar variation 1514051 (VCV001514051.5), dbSNP rs372640359, ClinGen allele CA308958826.